The following is an entry in ClinVar:

NM_005360.5(MAF):c.547C>A (p.His183Asn)

Gene: MAF (MAF bZIP transcription factor; minus strand). Cytogenetic location: 16q23.2.
Variant type: single nucleotide variant.
Coding change: c.547C>A on transcript NM_005360.5 (MANE Select); coding-DNA position 547, C replaced by A.
Protein change: p.His183Asn; replaces histidine 183 with asparagine.
Molecular consequence: missense variant.
Genome position (GRCh38, 1-based): chr16:79,599,356, G>T on the plus strand (C>A on the coding strand, the complement: MAF is on the minus strand). VCF-style: chr16-79599356-G-T. GRCh37 (hg19) VCF-style: chr16-79633253-G-T.
Other names: c.547C>A, p.His183Asn (NM_001031804.3); short protein forms H183N.
Identifiers: ClinVar variation 2358914 (VCV002358914.27), dbSNP rs1262562851, ClinGen allele CA396535722.

ClinVar aggregate classification (germline): Conflicting classifications of pathogenicity. Review status: criteria provided, conflicting classifications (1 of 4 stars). 3 submissions from 3 submitters: Uncertain significance (1); Likely benign (2). Last evaluated 2026-06-24.

Conditions:
MAF-related disorder. Also called: MAF-related condition.
Inborn genetic diseases. Identifiers: MedGen C0950123, MeSH D030342.

Allele frequency attached by ClinVar (database versions not stated): gnomAD exomes 0.00013; 1000 Genomes Project 30x 0.00141.
gnomAD v4.1: 147 of 994,608 alleles (0.015%); highest among the groups gnomAD compares: South Asian, 0.56%; 1 homozygote.

Submissions (3):

PreventionGenetics, part of Exact Sciences
Classification: Likely benign for MAF-related condition. Last evaluated: 2026-06-24. Review status: criteria provided, single submitter. Criteria: ACMG Guidelines, 2015. Collection method: clinical testing. Allele origin: germline.
Comment: This variant is classified as likely benign based on ACMG/AMP sequence variant interpretation guidelines (Richards et al. 2015 PMID: 25741868, with internal and published modifications).

CeGaT Center for Human Genetics Tuebingen
Classification: Likely benign. Last evaluated: 2023-01-01. Review status: criteria provided, single submitter. Criteria: CeGaT Center For Human Genetics Tuebingen Variant Classification Criteria Version 2. Collection method: clinical testing. Allele origin: germline. Affected: yes. Observed: 1 variant allele.
Comment: MAF: PP3, BS1

Ambry Genetics
Classification: Uncertain significance for Inborn genetic diseases. Last evaluated: 2021-08-13. Review status: criteria provided, single submitter. Criteria: Ambry Variant Classification Scheme 2023. Collection method: clinical testing. Allele origin: germline.